The following is an entry in ClinVar:

NM_001040616.3(LINS1):c.399+4A>G

Gene: LINS1 (lines homolog 1; minus strand). Cytogenetic location: 15q26.3.
Variant type: single nucleotide variant.
Coding change: c.399+4A>G on transcript NM_001040616.3 (MANE Select); 4 bases into the intron after coding-DNA position 399, A replaced by G.
Molecular consequence: intron variant.
Genome position (GRCh38, 1-based): chr15:100,580,440, T>C on the plus strand (A>G on the coding strand, the complement: LINS1 is on the minus strand). VCF-style: chr15-100580440-T-C. GRCh37 (hg19) VCF-style: chr15-101120645-T-C.
Other names: c.354+49A>G (NM_001352508.2); c.-511+4A>G (NM_001352507.2).
Identifiers: ClinVar variation 1800362 (VCV001800362.2), dbSNP rs2505462150, ClinGen allele CA2580089774.
Genomic context (GRCh38, chr15:100,580,440, plus strand): 5'-CTATTGCTGAATGTTCTTAAAATTATTTTAAATATCTACATCTTTAGAAAAACAAATGGC[T>C]TACTAATTTAGAATCGACTTTGGCTGATTCTAAGAGAATTTTAATTACATCTCTGTACTG-3'

ClinVar aggregate classification (germline): Uncertain significance (1 of 4 stars; one submission).

Conditions:
Inborn genetic diseases. Identifiers: MedGen C0950123, MeSH D030342.

Submission:

Ambry Genetics
Classification: Uncertain significance for Inborn genetic diseases. Last evaluated: 2021-07-13. Review status: criteria provided, single submitter. Criteria: Ambry Variant Classification Scheme 2023. Collection method: clinical testing. Allele origin: germline.
Comment: The c.399+4A>G intronic alteration consists of a A to G substitution nucleotides after coding exon 1 in the LINS gene. Based on insufficient or conflicting evidence, the clinical significance of this alteration remains unclear.